The following is an entry in ClinVar:

NM_000448.3(RAG1):c.2904C>A (p.Asn968Lys)

Gene: RAG1 (recombination activating 1; plus strand). Cytogenetic location: 11p12.
Variant type: single nucleotide variant.
Coding change: c.2904C>A on transcript NM_000448.3 (MANE Select); coding-DNA position 2904, C replaced by A.
Protein change: p.Asn968Lys; replaces asparagine 968 with lysine.
Molecular consequence: missense variant.
Genome position (GRCh38, 1-based): chr11:36,576,208, C>A. VCF-style: chr11-36576208-C-A. GRCh37 (hg19) VCF-style: chr11-36597758-C-A.
Other names: NM_000448.3(RAG1):c.2904C>A; c.2904C>A, p.Asn968Lys (NM_001377277.1, NM_001377278.1, NM_001377279.1 and 1 more transcripts); short protein forms N968K.
Identifiers: ClinVar variation 36713 (VCV000036713.12), dbSNP rs193922463, ClinGen allele CA214200.

ClinVar aggregate classification (germline): Uncertain significance. Review status: reviewed by expert panel (3 of 4 stars). 3 submissions from 3 submitters: Uncertain significance (1). 2 of the submissions do not count toward it. Last evaluated 2024-05-07.

Conditions:
Combined immunodeficiency with skin granulomas. Identifiers: Orphanet 157949, MedGen C2673536, MONDO:0009306, OMIM 233650.
Severe combined immunodeficiency, autosomal recessive, T cell-negative, B cell-negative, NK cell-positive. Also called: Severe combined immunodeficiency due to complete RAG1/2 deficiency; SCID, T CELL-NEGATIVE, B CELL-NEGATIVE, NK CELL-POSITIVE; SCID, AR, T-cell negative, B-cell negative, NK cell-positive. Identifiers: Orphanet 331206, MedGen C1832322, MONDO:0011086, OMIM 601457.
Recombinase activating gene 1 deficiency. Identifiers: MedGen CN375631, MONDO:0000572.
Histiocytic medullary reticulosis. Also called: Omenn syndrome; SEVERE COMBINED IMMUNODEFICIENCY WITH HYPEREOSINOPHILIA. Identifiers: Orphanet 39041, MedGen C2700553, MONDO:0011338, OMIM 603554.

gnomAD v4.1: 1 of 1,614,122 alleles (0.000062%); highest among the groups gnomAD compares: Non-Finnish European, 0.000085%; no homozygotes.

Submissions (3):

ClinGen Severe Combined Immunodeficiency Variant Curation Expert Panel, ClinGen
Classification: Uncertain significance for Recombinase activating gene 1 deficiency. Last evaluated: 2024-05-07. Review status: reviewed by expert panel. Criteria: ClinGen SCID ACMG Specifications RAG1 V1.0.0. Collection method: curation. Allele origin: germline. Inheritance: Autosomal recessive inheritance.
Comment: NM_000448.3(RAG1):c.2904C>A is a missense variant predicted to cause substitution of Asparagine by Lysine at amino acid 968 (p.Asn968Lys). This missense variant is located in the core domain (amino acids 387-1011)(PM1_Supporting). The highest population minor allele frequency in gnomAD v4 is 8.993e-7 (1/1112012 alleles) in European Non-Finnish population, which is lower than the ClinGen SCID VCEP threshold (<0.000102) for PM2_Supporting, meeting this criterion (PM2_Supporting). Patient with Omenn syndrome was found heterozygous for c.3016C>G, p.N968K & c.2387C>T, p.R759C (not classified by SCID VCEP yet) (PMID: 15908971):PM3 not evaluated. In summary, this variant meets the criteria to be classified as a variant of uncertain significance for autosomal recessive severe combined immunodeficiency due to RAG1 deficiency based on the ACMG/AMP criteria applied, as specified by the ClinGen SCID VCEP: PM1_Supporting, PM2_Supporting (VCEP specifications version 1).

Labcorp Genetics (formerly Invitae), Labcorp
Classification: Uncertain significance for Combined immunodeficiency with skin granulomas; Severe combined immunodeficiency, autosomal recessive, T cell-negative, B cell-negative, NK cell-positive. Last evaluated: 2019-06-04. Review status: criteria provided, single submitter. Criteria: Invitae Variant Classification Sherloc (09022015). Collection method: clinical testing. Allele origin: germline. Not counted in ClinVar's aggregate classification.
Comment: In summary, the available evidence is currently insufficient to determine the role of this variant in disease. Therefore, it has been classified as a Variant of Uncertain Significance. Algorithms developed to predict the effect of missense changes on protein structure and function are either unavailable or do not agree on the potential impact of this missense change (SIFT: "Deleterious"; PolyPhen-2: "Probably Damaging"; Align-GVGD: "Class C0"). This variant has been observed in an individual affected with Omenn syndrome (PMID: 15908971). ClinVar contains an entry for this variant (Variation ID: 36713). This variant is not present in population databases (ExAC no frequency). This sequence change replaces asparagine with lysine at codon 968 of the RAG1 protein (p.Asn968Lys). The asparagine residue is highly conserved and there is a moderate physicochemical difference between asparagine and lysine.

Women's Health and Genetics/Laboratory Corporation of America, LabCorp
Classification: Likely pathogenic for SCID/OS. Last evaluated: 2011-08-18. Review status: criteria provided, single submitter. Criteria: LabCorp Variant Classification Summary - May 2015. Collection method: curation, clinical testing. Allele origin: germline. Inheritance: autosomal recessive. Affected: yes. Observed: 1 variant allele. Not counted in ClinVar's aggregate classification.
ClinVar note: Converted during submission from likely pathogenic to Likely pathogenic.

Literature cited by the submitters: PubMed 15908971 (cited by Labcorp Genetics (formerly Invitae), Labcorp and Women's Health and Genetics/Laboratory Corporation of America, LabCorp).